The following is an entry in ClinVar:

ClinVar aggregate classification (germline): Uncertain significance (1 of 4 stars; one submission).

Submission:

Labcorp Genetics (formerly Invitae), Labcorp
Classification: Uncertain significance. Last evaluated: 2022-02-24. Review status: criteria provided, single submitter. Criteria: Invitae Variant Classification Sherloc (09022015). Collection method: clinical testing. Allele origin: germline.
Comment: ClinVar contains an entry for this variant (Variation ID: 964380). This variant has not been reported in the literature in individuals affected with GNAT1-related conditions. This variant is present in population databases (rs772467993, gnomAD 0.002%). This variant, c.896_898del, results in the deletion of 1 amino acid(s) of the GNAT1 protein (p.Ile299del), but otherwise preserves the integrity of the reading frame. Experimental studies and prediction algorithms are not available or were not evaluated, and the functional significance of this variant is currently unknown. In summary, the available evidence is currently insufficient to determine the role of this variant in disease. Therefore, it has been classified as a Variant of Uncertain Significance.

NM_144499.3(GNAT1):c.896_898del (p.Ile299del)

Gene: GNAT1 (G protein subunit alpha transducin 1; plus strand). Cytogenetic location: 3p21.31.
Variant type: Deletion.
Coding change: c.896_898del on transcript NM_144499.3 (MANE Select); coding-DNA positions 896 to 898, 3 bases deleted (TCA; older notation c.896_898delTCA).
Protein change: p.Ile299del; deletes isoleucine 299.
Molecular consequence: inframe deletion.
Genome position (GRCh38, 1-based): chr3:50,194,798-50,194,800, TCA deleted; deleting any 3 consecutive bases within chr3:50,194,796-50,194,800 gives the same sequence; the c. name uses the placement nearest the transcript's 3' end. VCF-style (leftmost placement, unchanged base first): chr3-50194795-ACAT-A. GRCh37 (hg19) VCF-style: chr3-50232228-ACAT-A.
Other names: c.896_898del, p.Ile299del (NM_000172.4); short protein forms I299del.
Identifiers: ClinVar variation 964380 (VCV000964380.6), dbSNP rs772467993, ClinGen allele CA2412762.